The following is an entry in ClinVar:

ClinVar aggregate classification (germline): Pathogenic/Likely pathogenic. Review status: criteria provided, multiple submitters, no conflicts (2 of 4 stars). 5 submissions from 5 submitters: Pathogenic (3); Likely pathogenic (1). 1 of the submissions does not count toward it. Last evaluated 2025-06-04.

Conditions:
Dyggve-Melchior-Clausen syndrome (DMC). Also called: Dyggve-Melchior-Clausen disease; DMC syndrome. Identifiers: Orphanet 239, MedGen C0265286, MONDO:0009130, OMIM 223800.
Smith-McCort dysplasia 1 (SMC1). Also called: Smith-McCort dwarfism. Identifiers: MedGen C3888088, MONDO:0011814, OMIM 607326.

Submissions (5):

First Genomix Gene Laboratory, Genetic Diagnostics Department
Classification: Pathogenic for Dyggve-Melchior-Clausen syndrome; Smith-McCort dysplasia 1. Last evaluated: 2025-06-04. Review status: criteria provided, single submitter. Criteria: ACMG Guidelines, 2015. Collection method: clinical testing. Allele origin: germline. Inheritance: Autosomal recessive inheritance. Affected: no.

Labcorp Genetics (formerly Invitae), Labcorp
Classification: Likely pathogenic. Last evaluated: 2025-03-19. Review status: criteria provided, single submitter. Criteria: Invitae Variant Classification Sherloc (09022015). Collection method: clinical testing. Allele origin: germline.
Comment: This sequence change results in a frameshift in the DYM gene (p.Lys626Asnfs*94). While this is not anticipated to result in nonsense mediated decay, it is expected to disrupt the last 44 amino acid(s) of the DYM protein and extend the protein by 49 additional amino acid residues. This variant is present in population databases (no rsID available, gnomAD 0.02%). This frameshift has been observed in individuals with clinical features of Dyggve-Melchior-Clausen disease (PMID: 12554689, 22090722; internal data). This variant is also known as c.1877delA. ClinVar contains an entry for this variant (Variation ID: 3191). In summary, the currently available evidence indicates that the variant is pathogenic, but additional data are needed to prove that conclusively. Therefore, this variant has been classified as Likely Pathogenic.

3billion
Classification: Pathogenic for Dyggve-Melchior-Clausen syndrome. Last evaluated: 2022-05-22. Review status: criteria provided, single submitter. Criteria: ACMG Guidelines, 2015. Collection method: clinical testing. Allele origin: germline. Affected: yes. Observed: 1 homozygote.
Comment: The variant is observed at an extremely low frequency in the gnomAD v2.1.1 dataset (total allele frequency: 0.003%). Frameshift: predicted to result in a loss or disruption of normal protein function through protein truncation. The predicted truncated protein may be shortened by less than 10%. The variant has been observed in multiple (>3) similarly affected unrelated individuals (PMID: 12554689). Therefore, this variant is classified as pathogenic according to the recommendation of ACMG/AMP guideline.

Equipe Genetique des Anomalies du Developpement, Université de Bourgogne
Classification: Pathogenic for Dyggve-Melchior-Clausen syndrome. Last evaluated: 2018-07-10. Review status: criteria provided, single submitter. Criteria: ACMG Guidelines, 2015. Collection method: clinical testing. Allele origin: inherited. Affected: yes. Observed: 2 heterozygotes, 1 homozygote.

OMIM
Classification: Pathogenic for DYGGVE-MELCHIOR-CLAUSEN DISEASE. Last evaluated: 2003-02-01. Review status: no assertion criteria provided. Collection method: literature only. Allele origin: germline. Not counted in ClinVar's aggregate classification.

Literature cited by the submitters: PubMed 12554689 (cited by 3 submitters); PubMed 22090722 (cited by Labcorp Genetics (formerly Invitae), Labcorp).

NM_001353214.3(DYM):c.2043del (p.Lys681fs)

Genes: DYM (dymeclin; minus strand), DYM-AS1 (DYM antisense RNA 1; plus strand). Cytogenetic location: 18q21.1.
Variant type: Deletion.
Coding change: c.2043del on transcript NM_001353214.3 (MANE Select); coding-DNA position 2043, one base deleted (A; older notation c.2043delA).
Protein change: p.Lys681fs; shifts the reading frame from lysine 681.
Molecular consequence: frameshift variant. On other transcripts: no sequence alteration (2).
Genome position (GRCh38, 1-based): chr18:49,044,187, T deleted on the plus strand (A on the coding strand, the reverse complement: DYM is on the minus strand); the first of 3 consecutive T bases (chr18:49,044,187-49,044,189); deleting any one gives the same sequence. VCF-style (leftmost placement, unchanged base first): chr18-49044186-AT-A. GRCh37 (hg19) VCF-style: chr18-46570556-AT-A.
Other names: c.1875del, p.Lys625fs (NM_001353210.3, NM_001353211.3); c.2040del, p.Lys680fs (NM_001353212.3, NM_001353213.3); c.1860del, p.Lys620fs (NM_001353215.3); c.1695del, p.Lys565fs (NM_001353216.3, NM_001374437.1); c.2043del, p.Lys681fs (NM_001374428.1); c.2037del, p.Lys679fs (NM_001374429.1); c.*2del, p.Ter712= (NM_001374430.1); c.1929del, p.Lys643fs (NM_001374431.1); and 14 more; short protein forms K626fs, K565fs, K620fs, K625fs, K680fs, K681fs, K375fs, K435fs.
Identifiers: ClinVar variation 3191 (VCV000003191.12), dbSNP rs1471488189, ClinGen allele CA629836521.